The following is an entry in ClinVar:

ClinVar aggregate classification (germline): Uncertain significance (1 of 4 stars; one submission).

gnomAD v4.1: 36 of 1,613,202 alleles (0.0022%); highest among the groups gnomAD compares: Admixed American, 0.053%; no homozygotes.

Submission:

GeneDx
Classification: Uncertain significance. Last evaluated: 2025-03-13. Review status: criteria provided, single submitter. Criteria: GeneDx Variant Classification Process June 2021. Collection method: clinical testing. Allele origin: germline. Affected: yes.
Comment: In silico analysis indicates that this variant does not alter splicing; Has not been previously published as pathogenic or benign to our knowledge

NM_015692.5(CPAMD8):c.5331G>A (p.Val1777=)

Gene: CPAMD8 (C3 and PZP like alpha-2-macroglobulin domain containing 8; minus strand). Cytogenetic location: 19p13.11.
Variant type: single nucleotide variant.
Coding change: c.5331G>A on transcript NM_015692.5 (MANE Select); coding-DNA position 5331, G replaced by A.
Protein change: p.Val1777=; no amino-acid change (valine 1777 retained).
Molecular consequence: synonymous variant. On other transcripts: non-coding transcript variant (1).
Genome position (GRCh38, 1-based): chr19:16,896,271, C>T on the plus strand (G>A on the coding strand, the complement: CPAMD8 is on the minus strand). VCF-style: chr19-16896271-C-T. GRCh37 (hg19) VCF-style: chr19-17007082-C-T.
Identifiers: ClinVar variation 4082960 (VCV004082960.1).